The following is an entry in ClinVar:

ClinVar aggregate classification (germline): Uncertain significance (1 of 4 stars; one submission).

Conditions:
Osteogenesis imperfecta type I (OI1). Also called: Lobstein's Disease; Lobstein disease; Classic Non-deforming Osteogenesis Imperfecta with Blue Sclerae; OI, TYPE I; OSTEOGENESIS IMPERFECTA TARDA; OSTEOGENESIS IMPERFECTA WITH BLUE SCLERAE. Identifiers: Orphanet 216796, Orphanet 666, MedGen C0023931, MONDO:0008146, OMIM 166200. Disease mechanism: loss of function.

Submission:

Labcorp Genetics (formerly Invitae), Labcorp
Classification: Uncertain significance for Osteogenesis imperfecta type I. Last evaluated: 2024-06-15. Review status: criteria provided, single submitter. Criteria: Invitae Variant Classification Sherloc (09022015). Collection method: clinical testing. Allele origin: germline.
Comment: This sequence change replaces isoleucine, which is neutral and non-polar, with asparagine, which is neutral and polar, at codon 60 of the COL1A1 protein (p.Ile60Asn). This variant is not present in population databases (gnomAD no frequency). This variant has not been reported in the literature in individuals affected with COL1A1-related conditions. Advanced modeling of protein sequence and biophysical properties (such as structural, functional, and spatial information, amino acid conservation, physicochemical variation, residue mobility, and thermodynamic stability) has been performed at Invitae for this missense variant, however the output from this modeling did not meet the statistical confidence thresholds required to predict the impact of this variant on COL1A1 protein function. In summary, the available evidence is currently insufficient to determine the role of this variant in disease. Therefore, it has been classified as a Variant of Uncertain Significance.

NM_000088.4(COL1A1):c.179T>A (p.Ile60Asn)

Gene: COL1A1 (collagen type I alpha 1 chain; minus strand). Cytogenetic location: 17q21.33.
Variant type: single nucleotide variant.
Coding change: c.179T>A on transcript NM_000088.4 (MANE Select); coding-DNA position 179, T replaced by A.
Protein change: p.Ile60Asn; replaces isoleucine 60 with asparagine.
Molecular consequence: missense variant.
Genome position (GRCh38, 1-based): chr17:50,199,872, A>T on the plus strand (T>A on the coding strand, the complement: COL1A1 is on the minus strand). VCF-style: chr17-50199872-A-T. GRCh37 (hg19) VCF-style: chr17-48277233-A-T.
Other names: short protein forms I60N.
Identifiers: ClinVar variation 3634738 (VCV003634738.2).
Genomic context (GRCh38, chr17:50,199,872, plus strand): 5'-TTCTTGGTCTCGTCACAGATCACGTCATCGCACAACACCTTGCCGTTGTCGCAGACGCAG[A>T]TCCGGCAGGGCTCGGGTTTCCACACGTCTCGGTCATGGTACCTGAGGCCGTTCTGTACGC-3'
Protein context (NP_000079.2, residues 50-70): RDVWKPEPCR[Ile60Asn]CVCDNGKVLC